The following is an entry in ClinVar:

NM_001035.3(RYR2):c.10975A>G (p.Lys3659Glu)

Gene: RYR2 (ryanodine receptor 2; plus strand). Cytogenetic location: 1q43.
Variant type: single nucleotide variant.
Coding change: c.10975A>G on transcript NM_001035.3 (MANE Select); coding-DNA position 10975, A replaced by G.
Protein change: p.Lys3659Glu; replaces lysine 3659 with glutamic acid.
Molecular consequence: missense variant.
Genome position (GRCh38, 1-based): chr1:237,732,085, A>G. VCF-style: chr1-237732085-A-G. GRCh37 (hg19) VCF-style: chr1-237895385-A-G.
Other names: c.10975A>G, p.Lys3659Glu (LRG_402t1); short protein forms K3659E.
Identifiers: ClinVar variation 519487 (VCV000519487.22), dbSNP rs184527312, ClinGen allele CA084647.
Genomic context (GRCh38, chr1:237,732,085, plus strand): 5'-ATAAATTTGACTTTTTTGCAGAAACCTGGGGCTGAACCTCCAGAAGAAGATGAAGGCACT[A>G]AGAGAGTTGATCCTCTACATCAGCTGATCCTTCTGTTTAGTCGGACAGCTTTAACAGAGA-3'
Protein context (NP_001026.2, residues 3649-3669): AEPPEEDEGT[Lys3659Glu]RVDPLHQLIL

ClinVar aggregate classification (germline): Uncertain significance. Review status: criteria provided, multiple submitters, no conflicts (2 of 4 stars). 7 submissions from 7 submitters: Uncertain significance (7). Last evaluated 2026-08-06.

Conditions:
Cardiovascular phenotype. Identifiers: MedGen CN230736.
Cardiomyopathy (CMYO). Also called: Cardiomyopathies. Identifiers: Orphanet 167848, MedGen C0878544, MONDO:0004994, HP:0001638. Inheritance: Various modes of inheritance.
Catecholaminergic polymorphic ventricular tachycardia 1. Also called: RYR2-Related Catecholaminergic Polymorphic Ventricular Tachycardia; VENTRICULAR TACHYCARDIA, STRESS-INDUCED POLYMORPHIC 1; VENTRICULAR TACHYCARDIA, CATECHOLAMINERGIC POLYMORPHIC, 1, WITH OR WITHOUT ATRIAL DYSFUNCTION AND/OR DILATED CARDIOMYOPATHY. Identifiers: Orphanet 3286, MedGen C1631597, MONDO:0011484, OMIM 604772.
Catecholaminergic polymorphic ventricular tachycardia (CVPT). Also called: Catecholamine-induced polymorphic ventricular tachycardia. Identifiers: Orphanet 3286, MedGen C5574922, MONDO:0017990.

Allele frequency attached by ClinVar (database versions not stated): gnomAD exomes 0.00003; gnomAD 0.00001; TOPMed 0.00002.
gnomAD v4.1: 40 of 1,611,640 alleles (0.0025%); highest among the groups gnomAD compares: Admixed American, 0.0033%; no homozygotes.

Submissions (7):

OLLIN Analises Genomicas, OLLIN
Classification: Uncertain significance for Catecholaminergic polymorphic ventricular tachycardia 1. Last evaluated: 2026-08-06. Review status: criteria provided, single submitter. Criteria: ACMG Guidelines 2015 PMID 25741868. Collection method: clinical testing. Allele origin: germline. Inheritance: Autosomal dominant inheritance.
Comment: This missense variant, located in exon 78 (of 105), has been reported in ClinVar (accession VCV000519487.21) and in gnomAD with an allele frequency of 0.0025%. However, to our knowledge, it has not been reported in the scientific literature. In silico analysis is inconclusive regarding the impact of this variant. This gene is constrained for missense variation. According to the currently available evidence, this variant has been classified as uncertain significance (PP2).

Labcorp Genetics (formerly Invitae), Labcorp
Classification: Uncertain significance for Catecholaminergic polymorphic ventricular tachycardia 1. Last evaluated: 2024-10-31. Review status: criteria provided, single submitter. Criteria: Invitae Variant Classification Sherloc (09022015). Collection method: clinical testing. Allele origin: germline.
Comment: This sequence change replaces lysine, which is basic and polar, with glutamic acid, which is acidic and polar, at codon 3659 of the RYR2 protein (p.Lys3659Glu). This variant is present in population databases (rs184527312, gnomAD 0.004%). This variant has not been reported in the literature in individuals affected with RYR2-related conditions. ClinVar contains an entry for this variant (Variation ID: 519487). Invitae Evidence Modeling of protein sequence and biophysical properties (such as structural, functional, and spatial information, amino acid conservation, physicochemical variation, residue mobility, and thermodynamic stability) indicates that this missense variant is not expected to disrupt RYR2 protein function with a negative predictive value of 95%. In summary, the available evidence is currently insufficient to determine the role of this variant in disease. Therefore, it has been classified as a Variant of Uncertain Significance.

All of Us Research Program, National Institutes of Health
Classification: Uncertain significance for Catecholaminergic polymorphic ventricular tachycardia. Last evaluated: 2024-07-20. Review status: criteria provided, single submitter. Criteria: ACMG Guidelines, 2015. Collection method: clinical testing. Allele origin: germline. Inheritance: Autosomal dominant inheritance. Observed: 8 variant alleles, 8 heterozygotes.
Comment: This missense variant replaces lysine with glutamic acid at codon 3659 of the RYR2 protein. Computational prediction is inconclusive regarding the impact of this variant on protein structure and function (internally defined REVEL score threshold 0.5 < inconclusive < 0.7, PMID: 27666373). To our knowledge, functional studies have not been reported for this variant. This variant has not been reported in individuals affected with RYR2-related disorders in the literature. This variant has been identified in 8/248126 chromosomes in the general population by the Genome Aggregation Database (gnomAD). The available evidence is insufficient to determine the role of this variant in disease conclusively. Therefore, this variant is classified as a Variant of Uncertain Significance.

This study involves interpretation of variants in research participants for the purpose of population health screening. Participant phenotype was not available at the time of variant classification. Additional details can be found in publication PMID: 35346344, PMCID: PMC8962531

Color Diagnostics, LLC DBA Color Health
Classification: Uncertain significance for Cardiomyopathy. Last evaluated: 2024-07-15. Review status: criteria provided, single submitter. Criteria: ACMG Guidelines, 2015. Collection method: clinical testing. Allele origin: germline.
Comment: This missense variant replaces lysine with glutamic acid at codon 3659 of the RYR2 protein. Computational prediction is inconclusive regarding the impact of this variant on protein structure and function (internally defined REVEL score threshold 0.5 < inconclusive < 0.7, PMID: 27666373). To our knowledge, functional studies have not been reported for this variant. This variant has not been reported in individuals affected with RYR2-related disorders in the literature. This variant has been identified in 8/248126 chromosomes in the general population by the Genome Aggregation Database (gnomAD). The available evidence is insufficient to determine the role of this variant in disease conclusively. Therefore, this variant is classified as a Variant of Uncertain Significance.

ARUP Laboratories, Molecular Genetics and Genomics, ARUP Laboratories
Classification: Uncertain significance. Last evaluated: 2024-01-10. Review status: criteria provided, single submitter. Criteria: ARUP Molecular Germline Variant Investigation Process 2024. Collection method: clinical testing. Allele origin: germline.
Comment: The RYR2 c.10975A>G; p.Lys3659Glu variant (rs184527312), to our knowledge, is not reported in the medical literature but is reported in ClinVar (Variation ID: 519487). This variant is found in the non-Finnish European population with an allele frequency of 0.005% (6/112,690 alleles) in the Genome Aggregation Database (v2.1.1). Computational analyses are uncertain whether this variant is neutral or deleterious (REVEL: 0.571). Due to limited information, the clinical significance of this variant is uncertain at this time.

Ambry Genetics
Classification: Uncertain significance for Cardiovascular phenotype. Last evaluated: 2022-02-20. Review status: criteria provided, single submitter. Criteria: Ambry Variant Classification Scheme 2023. Collection method: clinical testing. Allele origin: germline.
Comment: The p.K3659E variant (also known as c.10975A>G), located in coding exon 78 of the RYR2 gene, results from an A to G substitution at nucleotide position 10975. The lysine at codon 3659 is replaced by glutamic acid, an amino acid with similar properties. This amino acid position is well conserved in available vertebrate species. In addition, the in silico prediction for this alteration is inconclusive. Since supporting evidence is limited at this time, the clinical significance of this alteration remains unclear.

GeneDx
Classification: Uncertain significance. Last evaluated: 2020-01-29. Review status: criteria provided, single submitter. Criteria: GeneDx Variant Classification Process June 2021. Collection method: clinical testing. Allele origin: germline. Affected: yes.
Comment: Has not been previously published as pathogenic or benign to our knowledge; Reported in ClinVar as a variant of uncertain significance (ClinVar Variant ID# 519487; Landrum et al., 2016); In silico analysis, which includes protein predictors and evolutionary conservation, supports that this variant does not alter protein structure/function; Not located in one of the three hot-spot regions of the RYR2 gene, where the majority of pathogenic missense variants occur (Medeiros-Domingo et al., 2009)